The following is an entry in ClinVar:

ClinVar aggregate classification (germline): Uncertain significance. Review status: criteria provided, multiple submitters, no conflicts (2 of 4 stars). 2 submissions from 2 submitters: Uncertain significance (2). Last evaluated 2025-08-24.

Conditions:
Inborn genetic diseases. Identifiers: MedGen C0950123, MeSH D030342.
RYR1-related disorder. Also called: RYR1-related condition; RYR1-related disorders. Identifiers: MedGen CN239331.

gnomAD v4.1: 8 of 1,614,022 alleles (0.0005%); highest among the groups gnomAD compares: Non-Finnish European, 0.00068%; no homozygotes.

Submissions (2):

Ambry Genetics
Classification: Uncertain significance for Inborn genetic diseases. Last evaluated: 2025-08-24. Review status: criteria provided, single submitter. Criteria: Ambry Variant Classification Scheme 2023. Collection method: clinical testing. Allele origin: germline.

Labcorp Genetics (formerly Invitae), Labcorp
Classification: Uncertain significance for RYR1-related disorder. Last evaluated: 2024-07-23. Review status: criteria provided, single submitter. Criteria: Invitae Variant Classification Sherloc (09022015). Collection method: clinical testing. Allele origin: germline.
Comment: This sequence change replaces asparagine, which is neutral and polar, with serine, which is neutral and polar, at codon 2213 of the RYR1 protein (p.Asn2213Ser). This variant is not present in population databases (gnomAD no frequency). This variant has not been reported in the literature in individuals affected with RYR1-related conditions. Advanced modeling of protein sequence and biophysical properties (such as structural, functional, and spatial information, amino acid conservation, physicochemical variation, residue mobility, and thermodynamic stability) has been performed at Invitae for this missense variant, however the output from this modeling did not meet the statistical confidence thresholds required to predict the impact of this variant on RYR1 protein function. In summary, the available evidence is currently insufficient to determine the role of this variant in disease. Therefore, it has been classified as a Variant of Uncertain Significance.

NM_000540.3(RYR1):c.6638A>G (p.Asn2213Ser)

Gene: RYR1 (ryanodine receptor 1; plus strand). Cytogenetic location: 19q13.2.
Variant type: single nucleotide variant.
Coding change: c.6638A>G on transcript NM_000540.3 (MANE Select); coding-DNA position 6638, A replaced by G.
Protein change: p.Asn2213Ser; replaces asparagine 2213 with serine.
Molecular consequence: missense variant.
Genome position (GRCh38, 1-based): chr19:38,496,304, A>G. VCF-style: chr19-38496304-A-G. GRCh37 (hg19) VCF-style: chr19-38986944-A-G.
Other names: c.6638A>G, p.Asn2213Ser (NM_001042723.2); short protein forms N2213S.
Identifiers: ClinVar variation 3605798 (VCV003605798.3).